The following is an entry in ClinVar:

ClinVar aggregate classification (germline): Uncertain significance (1 of 4 stars; one submission).

Conditions:
Joubert syndrome. Also called: CEREBELLOPARENCHYMAL DISORDER IV; JOUBERT-BOLTSHAUSER SYNDROME; Familial aplasia of the vermis. Identifiers: Orphanet 475, MedGen C5979921, MONDO:0018772.
Meckel-Gruber syndrome. Also called: DYSENCEPHALIA SPLANCHNOCYSTICA; GRUBER SYNDROME; Dysencephalia splachnocystica. Identifiers: Orphanet 564, MedGen C0265215, MONDO:0018921.

gnomAD v4.1: 1 of 1,613,906 alleles (0.000062%); highest among the groups gnomAD compares: Non-Finnish European, 0.000085%; no homozygotes.

Submission:

Labcorp Genetics (formerly Invitae), Labcorp
Classification: Uncertain significance for Joubert syndrome; Meckel-Gruber syndrome. Last evaluated: 2022-06-27. Review status: criteria provided, single submitter. Criteria: Invitae Variant Classification Sherloc (09022015). Collection method: clinical testing. Allele origin: germline.
Comment: This sequence change replaces serine, which is neutral and polar, with arginine, which is basic and polar, at codon 76 of the B9D1 protein (p.Ser76Arg). This variant is not present in population databases (gnomAD no frequency). This variant has not been reported in the literature in individuals affected with B9D1-related conditions. Algorithms developed to predict the effect of missense changes on protein structure and function (SIFT, PolyPhen-2, Align-GVGD) all suggest that this variant is likely to be disruptive. In summary, the available evidence is currently insufficient to determine the role of this variant in disease. Therefore, it has been classified as a Variant of Uncertain Significance.

NM_015681.6(B9D1):c.226A>C (p.Ser76Arg)

Gene: B9D1 (B9 domain containing 1; minus strand). Cytogenetic location: 17p11.2.
Variant type: single nucleotide variant.
Coding change: c.226A>C on transcript NM_015681.6 (MANE Select); coding-DNA position 226, A replaced by C.
Protein change: p.Ser76Arg; replaces serine 76 with arginine.
Molecular consequence: missense variant. On other transcripts: 5 prime UTR variant (1).
Genome position (GRCh38, 1-based): chr17:19,357,858, T>G on the plus strand (A>C on the coding strand, the complement: B9D1 is on the minus strand). VCF-style: chr17-19357858-T-G. GRCh37 (hg19) VCF-style: chr17-19261171-T-G.
Other names: c.226A>C, p.Ser76Arg (NM_001321214.2, NM_001321215.3, NM_001321216.2 and 4 more transcripts); c.-135A>C (NM_001368769.2); short protein forms S76R.
Identifiers: ClinVar variation 1404759 (VCV001404759.6), dbSNP rs2152273843, ClinGen allele CA398698540.